The following is an entry in ClinVar:

ClinVar aggregate classification (germline): Uncertain significance (1 of 4 stars; one submission).

gnomAD v4.1: 28 of 1,613,642 alleles (0.0017%); highest among the groups gnomAD compares: Admixed American, 0.005%; no homozygotes.

Submission:

Labcorp Genetics (formerly Invitae), Labcorp
Classification: Uncertain significance. Last evaluated: 2024-07-11. Review status: criteria provided, single submitter. Criteria: Invitae Variant Classification Sherloc (09022015). Collection method: clinical testing. Allele origin: germline.
Comment: This sequence change affects codon 679 of the RASA2 mRNA. It is a 'silent' change, meaning that it does not change the encoded amino acid sequence of the RASA2 protein. This variant is present in population databases (rs753010712, gnomAD 0.006%). This variant has not been reported in the literature in individuals affected with RASA2-related conditions. Algorithms developed to predict the effect of sequence changes on RNA splicing suggest that this variant may disrupt the consensus splice site. In summary, the available evidence is currently insufficient to determine the role of this variant in disease. Therefore, it has been classified as a Variant of Uncertain Significance.

NM_006506.5(RASA2):c.2037G>A (p.Thr679=)

Gene: RASA2 (RAS p21 protein activator 2; plus strand). Cytogenetic location: 3q23.
Variant type: single nucleotide variant.
Coding change: c.2037G>A on transcript NM_006506.5 (MANE Select); coding-DNA position 2037, G replaced by A.
Protein change: p.Thr679=; no amino-acid change (threonine 679 retained).
Molecular consequence: synonymous variant.
Genome position (GRCh38, 1-based): chr3:141,608,509, G>A. VCF-style: chr3-141608509-G-A. GRCh37 (hg19) VCF-style: chr3-141327351-G-A.
Other names: c.2040G>A, p.Thr680= (NM_001303245.3); c.2049G>A, p.Thr683= (NM_001303246.3).
Identifiers: ClinVar variation 3636928 (VCV003636928.2).